The following is an entry in ClinVar:

NC_000003.11:g.(?_160073781)_(160099532_?)del

Gene: IFT80 (intraflagellar transport 80; minus strand). Cytogenetic location: 3q25.33.
Variant type: Deletion.
Identifiers: ClinVar variation 2426598 (VCV002426598.4).

ClinVar aggregate classification (germline): Pathogenic (1 of 4 stars; one submission).

Conditions:
Jeune thoracic dystrophy. Also called: Short-rib thoracic dysplasia; Jeune syndrome; Infantile thoracic dystrophy; Thoracic pelvic phalangeal dystrophy; Jeune's syndrome; Chondroectodermal dysplasia-like syndrome. Identifiers: Orphanet 474, MedGen C0265275, MONDO:0018770.

Submission:

Labcorp Genetics (formerly Invitae), Labcorp
Classification: Pathogenic for Jeune thoracic dystrophy. Last evaluated: 2022-09-02. Review status: criteria provided, single submitter. Criteria: Invitae Variant Classification Sherloc (09022015). Collection method: clinical testing. Allele origin: germline.
Comment: For these reasons, this variant has been classified as Pathogenic. This variant has not been reported in the literature in individuals affected with IFT80-related conditions. This variant is a gross deletion of the genomic region encompassing exon(s) 3-8 of the IFT80 gene. This deletion is out-of-frame, and is expected to create a premature termination codon and result in an absent or disrupted protein product. Loss-of-function variants in IFT80 are known to be pathogenic (PMID: 21227999, 23339108, 29068549).

Literature cited by the submitters: PubMed 21227999; PubMed 23339108; PubMed 29068549.